The following is an entry in ClinVar:

NM_007294.4(BRCA1):c.3530T>A (p.Phe1177Tyr)

Genes: BRCA1 (BRCA1 DNA repair associated; minus strand), LOC126862571 (BRD4-independent group 4 enhancer GRCh37_chr17:41243136-41244335; plus strand). Cytogenetic location: 17q21.31.
Variant type: single nucleotide variant.
Coding change: c.3530T>A on transcript NM_007294.4 (MANE Select); coding-DNA position 3530, T replaced by A.
Protein change: p.Phe1177Tyr; replaces phenylalanine 1177 with tyrosine.
Molecular consequence: missense variant. On other transcripts: intron variant (135).
Genome position (GRCh38, 1-based): chr17:43,092,001, A>T on the plus strand (T>A on the coding strand, the complement: BRCA1 is on the minus strand). VCF-style: chr17-43092001-A-T. GRCh37 (hg19) VCF-style: chr17-41244018-A-T.
Other names: c.647-969T>A (NM_001408458.1, NM_001408469.1, NM_001408453.1 and 11 more transcripts); c.284-969T>A (NM_001408512.1); c.407-969T>A (NM_001408510.1); c.644-969T>A (NM_001408470.1, NM_001408464.1, NM_001408465.1 and 3 more transcripts); c.785-969T>A (NM_001408397.1, NM_001408407.1, NM_001408402.1 and 13 more transcripts); c.665-969T>A (NM_001408436.1, NM_001408443.1, NM_001408439.1 and 12 more transcripts); c.788-969T>A (NM_001407980.1, NM_001407993.1, NM_001407976.1 and 17 more transcripts); c.653-969T>A (NM_001408451.1); and 41 more; short protein forms F1009Y, F1066Y, F1129Y, F1150Y, F1177Y, F309Y, F881Y, F1050Y.
Identifiers: ClinVar variation 3992615 (VCV003992615.1).

ClinVar aggregate classification (germline): Uncertain significance (1 of 4 stars; one submission).

Conditions:
Hereditary cancer-predisposing syndrome. Also called: Tumor predisposition; Hereditary neoplastic syndrome; Neoplastic Syndromes, Hereditary; Hereditary Cancer Syndrome. Identifiers: Orphanet 140162, MedGen C0027672, MeSH D009386, MONDO:0015356.

Submission:

Ambry Genetics
Classification: Uncertain significance for Hereditary cancer-predisposing syndrome. Last evaluated: 2025-05-12. Review status: criteria provided, single submitter. Criteria: Ambry Variant Classification Scheme 2023. Collection method: clinical testing. Allele origin: germline.
Comment: The p.F1177Y variant (also known as c.3530T>A), located in coding exon 9 of the BRCA1 gene, results from a T to A substitution at nucleotide position 3530. The phenylalanine at codon 1177 is replaced by tyrosine, an amino acid with highly similar properties. This amino acid position is highly conserved in available vertebrate species. In addition, the in silico prediction for this alteration is inconclusive. Based on the available evidence, the clinical significance of this variant remains unclear.